The following is an entry in ClinVar:

ClinVar aggregate classification (germline): Uncertain significance. Review status: criteria provided, multiple submitters, no conflicts (2 of 4 stars). 2 submissions from 2 submitters: Uncertain significance (2). Last evaluated 2024-01-03.

Allele frequency attached by ClinVar (database versions not stated): TOPMed 0.00003.
gnomAD v4.1: 11 of 1,209,884 alleles (0.00091%); highest among the groups gnomAD compares: Admixed American, 0.024%; no homozygotes.

Submissions (2):

Ambry Genetics
Classification: Uncertain significance. Last evaluated: 2024-01-03. Review status: criteria provided, single submitter. Criteria: Ambry Variant Classification Scheme 2023. Collection method: clinical testing. Allele origin: germline.

Labcorp Genetics (formerly Invitae), Labcorp
Classification: Uncertain significance. Last evaluated: 2022-08-24. Review status: criteria provided, single submitter. Criteria: Invitae Variant Classification Sherloc (09022015). Collection method: clinical testing. Allele origin: germline.
Comment: This sequence change replaces proline, which is neutral and non-polar, with threonine, which is neutral and polar, at codon 139 of the LAGE3 protein (p.Pro139Thr). This variant is present in population databases (rs185059986, gnomAD 0.02%). This variant has not been reported in the literature in individuals affected with LAGE3-related conditions. Algorithms developed to predict the effect of missense changes on protein structure and function output the following: SIFT: "Deleterious"; PolyPhen-2: "Probably Damaging"; Align-GVGD: "Class C0". The threonine amino acid residue is found in multiple mammalian species, which suggests that this missense change does not adversely affect protein function. In summary, the available evidence is currently insufficient to determine the role of this variant in disease. Therefore, it has been classified as a Variant of Uncertain Significance.

NM_006014.5(LAGE3):c.415C>A (p.Pro139Thr)

Gene: LAGE3 (L antigen family member 3; minus strand). Cytogenetic location: Xq28.
Variant type: single nucleotide variant.
Coding change: c.415C>A on transcript NM_006014.5 (MANE Select); coding-DNA position 415, C replaced by A.
Protein change: p.Pro139Thr; replaces proline 139 with threonine.
Molecular consequence: missense variant.
Genome position (GRCh38, 1-based): chrX:154,477,961, G>T on the plus strand (C>A on the coding strand, the complement: LAGE3 is on the minus strand). VCF-style: chrX-154477961-G-T. GRCh37 (hg19) VCF-style: chrX-153706300-G-T.
Other names: c.415C>A (NM_006014.3); short protein forms P139T.
Identifiers: ClinVar variation 2153401 (VCV002153401.3), dbSNP rs185059986, ClinGen allele CA10565195.